The following is an entry in ClinVar:

ClinVar aggregate classification (germline): Uncertain significance. Review status: criteria provided, multiple submitters, no conflicts (2 of 4 stars). 4 submissions from 4 submitters: Uncertain significance (3). 1 of the submissions does not count toward it. Last evaluated 2025-11-20.

Conditions:
KCNJ5-related disorder. Also called: KCNJ5-related condition.
Long QT syndrome (LQTS). Identifiers: MedGen C0023976, MeSH D008133, MONDO:0002442. Disease mechanism: loss of function. Inheritance: Various modes of inheritance.
Hypertrophic cardiomyopathy. Also called: HYPERTROPHIC MYOCARDIOPATHY. Identifiers: Orphanet 217569, MedGen C0007194, MeSH D002312, MONDO:0005045, HP:0001639.

Allele frequency attached by ClinVar (database versions not stated): gnomAD 0.00002 and 0.00001; ExAC 0.00002; TOPMed 0.00002.

Submissions (4):

Dasa
Classification: Uncertain significance. Last evaluated: 2025-11-20. Review status: criteria provided, single submitter. Criteria: DASA Assertion Criteria. Collection method: clinical testing. Allele origin: germline.
Comment: NM_000890.5(KCNJ5):c.616G>A (p.Ala206Thr) is a missense variant that results in the substitution of alanine with threonine. This variant is rare in population databases. Computational prediction algorithms are consistent with a deleterious effect. The currently available literature and clinical evidence are not sufficient to establish a definitive association between this variant and the reported condition. Therefore, this variant is classified as a variant of uncertain significance.

Labcorp Genetics (formerly Invitae), Labcorp
Classification: Uncertain significance for Long QT syndrome. Last evaluated: 2025-05-15. Review status: criteria provided, single submitter. Criteria: Invitae Variant Classification Sherloc (09022015). Collection method: clinical testing. Allele origin: germline.
Comment: This sequence change replaces alanine, which is neutral and non-polar, with threonine, which is neutral and polar, at codon 206 of the KCNJ5 protein (p.Ala206Thr). This variant is present in population databases (rs750424299, gnomAD 0.006%). This missense change has been observed in individual(s) with dilated cardiomyopathy (PMID: 37198425). ClinVar contains an entry for this variant (Variation ID: 427972). Invitae Evidence Modeling of protein sequence and biophysical properties (such as structural, functional, and spatial information, amino acid conservation, physicochemical variation, residue mobility, and thermodynamic stability) indicates that this missense variant is expected to disrupt KCNJ5 protein function with a positive predictive value of 80%. In summary, the available evidence is currently insufficient to determine the role of this variant in disease. Therefore, it has been classified as a Variant of Uncertain Significance.

Center for Human Genetics, University of Leuven
Classification: Uncertain significance for Hypertrophic cardiomyopathy. Last evaluated: 2017-04-30. Review status: criteria provided, single submitter. Criteria: ACMG Guidelines, 2015. Collection method: clinical testing. Allele origin: germline. Inheritance: Autosomal dominant inheritance. Affected: yes.

PreventionGenetics, part of Exact Sciences
Classification: Uncertain significance for KCNJ5-related condition. Last evaluated: 2024-05-30. Review status: no assertion criteria provided. Collection method: clinical testing. Allele origin: germline. Not counted in ClinVar's aggregate classification.
Comment: The KCNJ5 c.616G>A variant is predicted to result in the amino acid substitution p.Ala206Thr. To our knowledge, this variant has not been reported in the literature. This variant is reported in 0.0054% of alleles in individuals of East Asian descent in gnomAD. At this time, the clinical significance of this variant is uncertain due to the absence of conclusive functional and genetic evidence.

Literature cited by the submitters: PubMed 37198425 (cited by Labcorp Genetics (formerly Invitae), Labcorp).

NM_000890.5(KCNJ5):c.616G>A (p.Ala206Thr)

Gene: KCNJ5 (potassium inwardly rectifying channel subfamily J member 5; plus strand). Cytogenetic location: 11q24.3.
Variant type: single nucleotide variant.
Coding change: c.616G>A on transcript NM_000890.5 (MANE Select); coding-DNA position 616, G replaced by A.
Protein change: p.Ala206Thr; replaces alanine 206 with threonine.
Molecular consequence: missense variant.
Genome position (GRCh38, 1-based): chr11:128,911,889, G>A. VCF-style: chr11-128911889-G-A. GRCh37 (hg19) VCF-style: chr11-128781784-G-A.
Other names: c.616G>A (LRG_333t1); c.616G>A, p.Ala206Thr (NM_001354169.2); short protein forms A206T.
Identifiers: ClinVar variation 427972 (VCV000427972.9), dbSNP rs750424299, ClinGen allele CA6357902.
Genomic context (GRCh38, chr11:128,911,889, plus strand): 5'-ATGTTTGTCAAGATCAGCCAGCCCAAGAAGAGAGCGGAGACCCTCATGTTTTCCAACAAC[G>A]CAGTCATCTCCATGCGGGACGAGAAGCTGTGCCTCATGTTCCGGGTGGGCGACCTCCGCA-3'
Protein context (NP_000881.3, residues 196-216): RAETLMFSNN[Ala206Thr]VISMRDEKLC